The following is an entry in ClinVar:

NM_004560.4(ROR2):c.1285C>T (p.Arg429Trp)

Gene: ROR2 (ROR family WNT receptor 2; minus strand). Cytogenetic location: 9q22.31.
Variant type: single nucleotide variant.
Coding change: c.1285C>T on transcript NM_004560.4 (MANE Select); coding-DNA position 1285, C replaced by T.
Protein change: p.Arg429Trp; replaces arginine 429 with tryptophan.
Molecular consequence: missense variant. On other transcripts: synonymous variant (1).
Genome position (GRCh38, 1-based): chr9:91,726,642, G>A on the plus strand (C>T on the coding strand, the complement: ROR2 is on the minus strand). VCF-style: chr9-91726642-G-A. GRCh37 (hg19) VCF-style: chr9-94488924-G-A.
Other names: c.1285C>T (NM_004560.3); c.1251C>T, p.Ala417= (NM_001318204.2); short protein forms R429W.
Identifiers: ClinVar variation 1042636 (VCV001042636.12), dbSNP rs772321377, ClinGen allele CA5120738.

ClinVar aggregate classification (germline): Uncertain significance. Review status: criteria provided, multiple submitters, no conflicts (2 of 4 stars). 4 submissions from 4 submitters: Uncertain significance (4). Last evaluated 2025-08-24.

Conditions:
Autosomal recessive Robinow syndrome (RRS1). Also called: ROBINOW SYNDROME, AUTOSOMAL RECESSIVE 1; ROR2-Related Robinow Syndrome; COSTOVERTEBRAL SEGMENTATION DEFECT WITH MESOMELIA; COVESDEM SYNDROME. Identifiers: Orphanet 1507, Orphanet 97360, MedGen C5399974, MONDO:0009999, OMIM 268310.
Brachydactyly type B1 (BDB1). Identifiers: Orphanet 572385, Orphanet 93383, MedGen C1862112, MONDO:0007220, OMIM 113000.
Inborn genetic diseases. Identifiers: MedGen C0950123, MeSH D030342.
ROR2-related disorder. Also called: ROR2-related disorders; ROR2-related condition.

Allele frequency attached by ClinVar (database versions not stated): gnomAD 0.00003; TOPMed 0.00005; gnomAD exomes 0.00007 and 0.00010; ExAC 0.00010.
gnomAD v4.1: 100 of 1,613,954 alleles (0.0062%); highest among the groups gnomAD compares: South Asian, 0.026%; no homozygotes.

Submissions (4):

Ambry Genetics
Classification: Uncertain significance for Inborn genetic diseases. Last evaluated: 2025-08-24. Review status: criteria provided, single submitter. Criteria: Ambry Variant Classification Scheme 2023. Collection method: clinical testing. Allele origin: germline.

PreventionGenetics, part of Exact Sciences
Classification: Uncertain significance for ROR2-related condition. Last evaluated: 2024-12-10. Review status: criteria provided, single submitter. Criteria: ACMG Guidelines, 2015. Collection method: clinical testing. Allele origin: germline.
Comment: The ROR2 c.1285C>T variant is predicted to result in the amino acid substitution p.Arg429Trp. To our knowledge, this variant has not been reported in the literature. This variant is reported in 0.033% of alleles in individuals of South Asian descent in gnomAD. At this time, the clinical significance of this variant is uncertain due to the absence of conclusive functional and genetic evidence.

Fulgent Genetics
Classification: Uncertain significance for Brachydactyly type B1; Autosomal recessive Robinow syndrome. Last evaluated: 2024-05-15. Review status: criteria provided, single submitter. Criteria: ACMG Guidelines, 2015. Collection method: clinical testing. Allele origin: germline.

Labcorp Genetics (formerly Invitae), Labcorp
Classification: Uncertain significance. Last evaluated: 2020-03-08. Review status: criteria provided, single submitter. Criteria: Invitae Variant Classification Sherloc (09022015). Collection method: clinical testing. Allele origin: germline.
Comment: This sequence change replaces arginine with tryptophan at codon 429 of the ROR2 protein (p.Arg429Trp). The arginine residue is highly conserved and there is a moderate physicochemical difference between arginine and tryptophan. This variant is present in population databases (rs772321377, ExAC 0.02%). This variant has not been reported in the literature in individuals with ROR2-related conditions. Algorithms developed to predict the effect of missense changes on protein structure and function (SIFT, PolyPhen-2, Align-GVGD) all suggest that this variant is likely to be disruptive, but these predictions have not been confirmed by published functional studies and their clinical significance is uncertain. In summary, the available evidence is currently insufficient to determine the role of this variant in disease. Therefore, it has been classified as a Variant of Uncertain Significance.